The following is an entry in ClinVar:

ClinVar aggregate classification (germline): Uncertain significance (1 of 4 stars; one submission).

Conditions:
Accelerated tumor formation, susceptibility to (ACTFS). Identifiers: MedGen C3280690, OMIM 614401, MONDO:0013733.

Submission:

Labcorp Genetics (formerly Invitae), Labcorp
Classification: Uncertain significance for Accelerated tumor formation, susceptibility to. Last evaluated: 2024-05-11. Review status: criteria provided, single submitter. Criteria: Invitae Variant Classification Sherloc (09022015). Collection method: clinical testing. Allele origin: germline.
Comment: This sequence change replaces arginine, which is basic and polar, with glycine, which is neutral and non-polar, at codon 209 of the MDM2 protein (p.Arg209Gly). This variant is not present in population databases (gnomAD no frequency). This variant has not been reported in the literature in individuals affected with MDM2-related conditions. An algorithm developed to predict the effect of missense changes on protein structure and function (PolyPhen-2) suggests that this variant is likely to be disruptive. In summary, the available evidence is currently insufficient to determine the role of this variant in disease. Therefore, it has been classified as a Variant of Uncertain Significance.

NM_002392.6(MDM2):c.625A>G (p.Arg209Gly)

Gene: MDM2 (MDM2 proto-oncogene; plus strand). Cytogenetic location: 12q15.
Variant type: single nucleotide variant.
Coding change: c.625A>G on transcript NM_002392.6 (MANE Select); coding-DNA position 625, A replaced by G.
Protein change: p.Arg209Gly; replaces arginine 209 with glycine.
Molecular consequence: missense variant. On other transcripts: intron variant (2).
Genome position (GRCh38, 1-based): chr12:68,828,872, A>G. VCF-style: chr12-68828872-A-G. GRCh37 (hg19) VCF-style: chr12-69222652-A-G.
Other names: c.607A>G, p.Arg203Gly (NM_001145337.3, NM_001367990.1); c.460A>G, p.Arg154Gly (NM_001145339.2); c.157-6957A>G (NM_001278462.2, NM_001145340.3); short protein forms R154G, R209G, R203G.
Identifiers: ClinVar variation 3705203 (VCV003705203.2).